The following is an entry in ClinVar:

NM_017780.4(CHD7):c.7673C>T (p.Pro2558Leu)

Gene: CHD7 (chromodomain helicase DNA binding protein 7; plus strand). Cytogenetic location: 8q12.2.
Variant type: single nucleotide variant.
Coding change: c.7673C>T on transcript NM_017780.4 (MANE Select); coding-DNA position 7673, C replaced by T.
Protein change: p.Pro2558Leu; replaces proline 2558 with leucine.
Molecular consequence: missense variant. On other transcripts: intron variant (1).
Genome position (GRCh38, 1-based): chr8:60,860,968, C>T. VCF-style: chr8-60860968-C-T. GRCh37 (hg19) VCF-style: chr8-61773527-C-T.
Other names: c.1717-1261C>T (NM_001316690.1); short protein forms P2558L.
Identifiers: ClinVar variation 529135 (VCV000529135.14), dbSNP rs776711005, ClinGen allele CA4760861.

ClinVar aggregate classification (germline): Conflicting classifications of pathogenicity. Review status: criteria provided, conflicting classifications (1 of 4 stars). 5 submissions from 5 submitters: Uncertain significance (3); Benign (1); Likely benign (1). Last evaluated 2026-04-17.

Conditions:
Hypogonadotropic hypogonadism 5 with or without anosmia (KAL5). Also called: HYPOGONADOTROPIC HYPOGONADISM 5 WITH ANOSMIA; HYPOGONADOTROPHIC HYPOGONADISM 5 WITHOUT ANOSMIA; CHD7-Related GnRH Deficiency (Kallmann Syndrome 5). Identifiers: Orphanet 478, MedGen C3552553, MONDO:0012880, OMIM 612370. Disease mechanism: loss of function.
CHARGE syndrome (CHARGE). Also called: Hittner Hirsch Kreh syndrome; Coloboma, heart anomaly, choanal atresia, retardation, genital and ear anomalies; CHARGE association; Hall-Hittner syndrome; CHARGE ASSOCIATION--COLOBOMA, HEART ANOMALY, CHOANAL ATRESIA, RETARDATION, GENITAL AND EAR ANOMALIES. Identifiers: Orphanet 138, MedGen C0265354, MONDO:0008965.
CHD7-related disorder. Also called: CHD7-related condition.
Inborn genetic diseases. Identifiers: MedGen C0950123, MeSH D030342.

Allele frequency attached by ClinVar (database versions not stated): ExAC 0.00001; gnomAD 0.00001; gnomAD exomes 0.00001; TOPMed 0.00001.
gnomAD v4.1: 18 of 1,613,868 alleles (0.0011%); highest among the groups gnomAD compares: East Asian, 0.0045%; no homozygotes.

Submissions (5):

PreventionGenetics, part of Exact Sciences
Classification: Uncertain significance for CHD7-related condition. Last evaluated: 2026-04-17. Review status: criteria provided, single submitter. Criteria: ACMG Guidelines, 2015. Collection method: clinical testing. Allele origin: germline.
Comment: The CHD7 c.7673C>T variant is predicted to result in the amino acid substitution p.Pro2558Leu. This variant has been reported in the heterozygous state in an individual with hearing loss, although this individual also had potentially causative variants in other genes (Supplemental, Florentine et al. 2022. PubMed ID: 34515852). This variant is present in 0.0056% of alleles in individuals of East Asian descent in gnomAD. At this time, the clinical significance of this variant is uncertain due to the absence of conclusive functional and genetic evidence.

Labcorp Genetics (formerly Invitae), Labcorp
Classification: Benign for CHARGE syndrome. Last evaluated: 2025-10-21. Review status: criteria provided, single submitter. Criteria: Invitae Variant Classification Sherloc (09022015). Collection method: clinical testing. Allele origin: germline.

Blueprint Genetics
Classification: Uncertain significance. Last evaluated: 2024-11-06. Review status: criteria provided, single submitter. Criteria: ACMG Guidelines, 2015. Collection method: clinical testing. Allele origin: germline.

Fulgent Genetics
Classification: Likely benign for CHD7-related CHARGE syndrome; Hypogonadotropic hypogonadism 5 with or without anosmia. Last evaluated: 2024-04-03. Review status: criteria provided, single submitter. Criteria: ACMG Guidelines, 2015. Collection method: clinical testing. Allele origin: germline.

Ambry Genetics
Classification: Uncertain significance for Inborn genetic diseases. Last evaluated: 2022-07-27. Review status: criteria provided, single submitter. Criteria: Ambry Variant Classification Scheme 2023. Collection method: clinical testing. Allele origin: germline.
Comment: The p.P2558L variant (also known as c.7673C>T), located in coding exon 34 of the CHD7 gene, results from a C to T substitution at nucleotide position 7673. The proline at codon 2558 is replaced by leucine, an amino acid with similar properties. This amino acid position is conserved. In addition, the in silico prediction for this alteration is inconclusive. Since supporting evidence is limited at this time, the clinical significance of this alteration remains unclear.